The following is an entry in ClinVar:

ClinVar aggregate classification (germline): Uncertain significance (1 of 4 stars; one submission).

Conditions:
Inborn genetic diseases. Identifiers: MedGen C0950123, MeSH D030342.

Allele frequency attached by ClinVar (database versions not stated): gnomAD exomes below 0.00001.
gnomAD v4.1: 1 of 1,614,214 alleles (0.000062%); highest among the groups gnomAD compares: South Asian, 0.0011%; no homozygotes.

Submission:

Ambry Genetics
Classification: Uncertain significance for Inborn genetic diseases. Last evaluated: 2021-05-17. Review status: criteria provided, single submitter. Criteria: Ambry Variant Classification Scheme 2023. Collection method: clinical testing. Allele origin: germline.
Comment: The p.I1726V variant (also known as c.5176A>G), located in coding exon 25 of the DYNC1H1 gene, results from an A to G substitution at nucleotide position 5176. The isoleucine at codon 1726 is replaced by valine, an amino acid with highly similar properties. This amino acid position is not well conserved in available vertebrate species. In addition, this alteration is predicted to be tolerated by in silico analysis. Since supporting evidence is limited at this time, the clinical significance of this alteration remains unclear.

NM_001376.5(DYNC1H1):c.5176A>G (p.Ile1726Val)

Gene: DYNC1H1 (dynein cytoplasmic 1 heavy chain 1; plus strand). Cytogenetic location: 14q32.31.
Variant type: single nucleotide variant.
Coding change: c.5176A>G on transcript NM_001376.5 (MANE Select); coding-DNA position 5176, A replaced by G.
Protein change: p.Ile1726Val; replaces isoleucine 1726 with valine.
Molecular consequence: missense variant.
Genome position (GRCh38, 1-based): chr14:102,004,888, A>G. VCF-style: chr14-102004888-A-G. GRCh37 (hg19) VCF-style: chr14-102471225-A-G.
Other names: short protein forms I1726V.
Identifiers: ClinVar variation 1745822 (VCV001745822.2), dbSNP rs2503739089, ClinGen allele CA391045548.